The following is an entry in ClinVar:

NM_152564.5(VPS13B):c.6257A>G (p.His2086Arg)

Gene: VPS13B (vacuolar protein sorting 13 homolog B; plus strand). Cytogenetic location: 8q22.2.
Variant type: single nucleotide variant.
Coding change: c.6257A>G on transcript NM_152564.5 (MANE Select); coding-DNA position 6257, A replaced by G.
Protein change: p.His2086Arg; replaces histidine 2086 with arginine.
Molecular consequence: missense variant.
Genome position (GRCh38, 1-based): chr8:99,699,735, A>G. VCF-style: chr8-99699735-A-G. GRCh37 (hg19) VCF-style: chr8-100711963-A-G.
Other names: c.6332A>G, p.His2111Arg (NM_017890.5); short protein forms H2086R, H2111R.
Identifiers: ClinVar variation 2093196 (VCV002093196.2), dbSNP rs2491484260, ClinGen allele CA371874774.

ClinVar aggregate classification (germline): Uncertain significance (1 of 4 stars; one submission).

Conditions:
Cohen syndrome (COH1). Also called: Cutis verticis gyrata, retinitis pigmentosa, and sensorineural deafness; PEPPER SYNDROME. Identifiers: Orphanet 193, MedGen C0265223, MONDO:0008999, OMIM 216550.

gnomAD v4.1: 1 of 1,614,162 alleles (0.000062%); no homozygotes.

Submission:

Labcorp Genetics (formerly Invitae), Labcorp
Classification: Uncertain significance for Cohen syndrome. Last evaluated: 2022-02-04. Review status: criteria provided, single submitter. Criteria: Invitae Variant Classification Sherloc (09022015). Collection method: clinical testing. Allele origin: germline.
Comment: In summary, the available evidence is currently insufficient to determine the role of this variant in disease. Therefore, it has been classified as a Variant of Uncertain Significance. Algorithms developed to predict the effect of missense changes on protein structure and function are either unavailable or do not agree on the potential impact of this missense change (SIFT: "Not Available"; PolyPhen-2: "Benign"; Align-GVGD: "Not Available"). This variant has not been reported in the literature in individuals affected with VPS13B-related conditions. This variant is not present in population databases (gnomAD no frequency). This sequence change replaces histidine, which is basic and polar, with arginine, which is basic and polar, at codon 2111 of the VPS13B protein (p.His2111Arg).